The following is an entry in ClinVar:

ClinVar aggregate classification (germline): Uncertain significance (1 of 4 stars; one submission).

Conditions:
Hereditary cancer-predisposing syndrome. Also called: Hereditary neoplastic syndrome; Tumor predisposition; Neoplastic Syndromes, Hereditary; Hereditary Cancer Syndrome. Identifiers: Orphanet 140162, MedGen C0027672, MeSH D009386, MONDO:0015356.

Submission:

Sema4
Classification: Uncertain significance for Hereditary cancer-predisposing syndrome. Last evaluated: 2021-06-03. Review status: criteria provided, single submitter. Criteria: Sema4 Curation Guidelines. Collection method: curation. Allele origin: germline.
Comment: The CHEK2 c.348G>T (p.G116=) variant has not been reported in the literature to our knowledge. This variant was not observed in the large and broad cohorts of the Genome Aggregation Database (PMID: 32461654). This variant has not been reported in ClinVar. In silico tools suggest that this variant may create a cryptic donor splice site, though these predictions have not been confirmed by functional studies. In summary, the clinical significance of this variant is currently uncertain.

NM_007194.4(CHEK2):c.348G>T (p.Gly116=)

Gene: CHEK2 (checkpoint kinase 2; minus strand). Cytogenetic location: 22q12.1.
Variant type: single nucleotide variant.
Coding change: c.348G>T on transcript NM_007194.4 (MANE Select); coding-DNA position 348, G replaced by T.
Protein change: p.Gly116=; no amino-acid change (glycine 116 retained).
Molecular consequence: synonymous variant.
Genome position (GRCh38, 1-based): chr22:28,725,339, C>A on the plus strand (G>T on the coding strand, the complement: CHEK2 is on the minus strand). VCF-style: chr22-28725339-C-A. GRCh37 (hg19) VCF-style: chr22-29121327-C-A.
Other names: c.477G>T, p.Gly159= (NM_001005735.3); c.-430G>T (NM_001257387.3); c.348G>T, p.Gly116= (NM_001349956.3, NM_145862.3).
Identifiers: ClinVar variation 1692946 (VCV001692946.1), dbSNP rs1394601881, ClinGen allele CA513945305.